The following is an entry in ClinVar:

ClinVar aggregate classification (germline): Uncertain significance (1 of 4 stars; one submission).

Conditions:
Brugada syndrome 5 (BRGDA5). Identifiers: Orphanet 130, Orphanet 871, MedGen C2748541, MONDO:0013015, OMIM 612838.

gnomAD v4.1: 4 of 1,614,232 alleles (0.00025%); highest among the groups gnomAD compares: Non-Finnish European, 0.00034%; no homozygotes.

Submission:

Labcorp Genetics (formerly Invitae), Labcorp
Classification: Uncertain significance for Brugada syndrome 5. Last evaluated: 2024-04-01. Review status: criteria provided, single submitter. Criteria: Invitae Variant Classification Sherloc (09022015). Collection method: clinical testing. Allele origin: germline.
Comment: The SCN1B gene has multiple clinically relevant transcripts. This variant occurs in alternate transcript NM_001037.5, and corresponds to NM_199037.3:c.*5084A>C in the primary transcript. This sequence change replaces isoleucine, which is neutral and non-polar, with leucine, which is neutral and non-polar, at codon 172 of the SCN1B protein (p.Ile172Leu). This variant is not present in population databases (gnomAD no frequency). This variant has not been reported in the literature in individuals affected with SCN1B-related conditions. Experimental studies and prediction algorithms are not available or were not evaluated, and the functional significance of this variant is currently unknown. In summary, the available evidence is currently insufficient to determine the role of this variant in disease. Therefore, it has been classified as a Variant of Uncertain Significance.

NM_001037.5(SCN1B):c.514A>C (p.Ile172Leu)

Gene: SCN1B (sodium voltage-gated channel beta subunit 1; plus strand). Cytogenetic location: 19q13.11.
Variant type: single nucleotide variant.
Coding change: c.514A>C on transcript NM_001037.5 (MANE Select); coding-DNA position 514, A replaced by C.
Protein change: p.Ile172Leu; replaces isoleucine 172 with leucine.
Molecular consequence: missense variant.
Genome position (GRCh38, 1-based): chr19:35,039,182, A>C. VCF-style: chr19-35039182-A-C. GRCh37 (hg19) VCF-style: chr19-35530086-A-C.
Other names: c.415A>C, p.Ile139Leu (NM_001321605.2); short protein forms I172L, I139L.
Identifiers: ClinVar variation 3670240 (VCV003670240.2).
Genomic context (GRCh38, chr19:35,039,182, plus strand): 5'-AGAGACATGGCATCCATCGTGTCTGAGATCATGATGTATGTGCTCATTGTGGTGTTGACC[A>C]TATGGCTCGTGGCAGAGATGATTTACTGCTACAAGAAGATCGCTGCCGCCACGGAGACTG-3'
Protein context (NP_001028.1, residues 162-182): MMYVLIVVLT[Ile172Leu]WLVAEMIYCY